The following is an entry in ClinVar:

ClinVar aggregate classification (germline): Benign (1 of 4 stars; one submission).

Allele frequency attached by ClinVar (database versions not stated): gnomAD 0.14052.
gnomAD v4.1: 6,571 of 55,738 alleles (12%); highest among the groups gnomAD compares: African/African-American, 15%; 270 homozygotes.

Submission:

GeneDx
Classification: Benign. Last evaluated: 2018-06-19. Review status: criteria provided, single submitter. Criteria: GeneDx Variant Classification (06012015). Collection method: clinical testing. Allele origin: germline. Affected: yes.
Comment: This variant is considered likely benign or benign based on one or more of the following criteria: it is a conservative change, it occurs at a poorly conserved position in the protein, it is predicted to be benign by multiple in silico algorithms, and/or has population frequency not consistent with disease.

NM_001244008.2(KIF1A):c.430-283C>T

Gene: KIF1A (kinesin family member 1A; minus strand). Cytogenetic location: 2q37.3.
Variant type: single nucleotide variant.
Coding change: c.430-283C>T on transcript NM_001244008.2 (MANE Select); 283 bases into the intron before coding-DNA position 430, C replaced by T.
Molecular consequence: intron variant.
Genome position (GRCh38, 1-based): chr2:240,786,796, G>A on the plus strand (C>T on the coding strand, the complement: KIF1A is on the minus strand). VCF-style: chr2-240786796-G-A. GRCh37 (hg19) VCF-style: chr2-241726213-G-A.
Other names: c.430-283C>T (NM_001379653.1, NM_001379650.1, NM_001379645.1 and 20 more transcripts).
Identifiers: ClinVar variation 668745 (VCV000668745.1), dbSNP rs4998257, ClinGen allele CA15159171.